The following is an entry in ClinVar:

ClinVar aggregate classification (germline): Pathogenic. Review status: reviewed by expert panel (3 of 4 stars). 8 submissions from 8 submitters: Pathogenic (1). 7 of the submissions do not count toward it. Last evaluated 2016-09-08.

Conditions:
Hereditary breast ovarian cancer syndrome. Also called: Hereditary breast and ovarian cancer; Hereditary breast and ovarian cancer syndrome; Breast and ovarian cancer; Hereditary breast and ovarian cancer syndrome (HBOC); Hereditary breast and/or ovarian cancer syndrome; BRCA1- and BRCA2-Associated Hereditary Breast and Ovarian Cancer. Identifiers: Orphanet 145, MedGen C0677776, MeSH D061325, MONDO:0003582. Disease mechanism: loss of function.
Hereditary cancer-predisposing syndrome. Also called: Hereditary Cancer Syndrome; Neoplastic Syndromes, Hereditary; Tumor predisposition; Hereditary neoplastic syndrome. Identifiers: Orphanet 140162, MedGen C0027672, MeSH D009386, MONDO:0015356.
Breast-ovarian cancer, familial, susceptibility to, 2 (BROVCA2). Also called: BRCA2 Hereditary Breast and Ovarian Cancer. Identifiers: Orphanet 145, MedGen C2675520, MONDO:0012933, OMIM 612555. Disease mechanism: loss of function.
Familial cancer of breast. Also called: BREAST CANCER, FAMILIAL; Hereditary breast cancer; hereditary breast carcinoma. Identifiers: Orphanet 227535, MedGen C0346153, MONDO:0016419, OMIM 114480. Disease mechanism: loss of function.

Submissions (8):

Evidence-based Network for the Interpretation of Germline Mutant Alleles (ENIGMA)
Classification: Pathogenic for Breast-ovarian cancer, familial, susceptibility to, 2. Last evaluated: 2016-09-08. Review status: reviewed by expert panel. Criteria: ENIGMA BRCA1/2 Classification Criteria (2015). Collection method: curation. Allele origin: germline.
Comment: Variant allele predicted to encode a truncated non-functional protein.

Ambry Genetics
Classification: Pathogenic for Hereditary cancer-predisposing syndrome. Last evaluated: 2025-07-18. Review status: criteria provided, single submitter. Criteria: Ambry Variant Classification Scheme 2023. Collection method: clinical testing. Allele origin: germline. Not counted in ClinVar's aggregate classification.
Comment: The c.7301delA pathogenic mutation, located in coding exon 13 of the BRCA2 gene, results from a deletion of one nucleotide at nucleotide position 7301, causing a translational frameshift with a predicted alternate stop codon (p.K2434Sfs*35). This alteration was reported in 1/60,466 breast cancer cases and in 0/53,461 controls (Dorling et al. N Engl J Med. 2021 02;384:428-439). This alteration was also identified in a large, worldwide study of BRCA1/2 mutation positive families (Rebbeck TR et al. Hum Mutat, 2018 05;39:593-620). This variant is considered to be rare based on population cohorts in the Genome Aggregation Database (gnomAD). This alteration is expected to result in loss of function by premature protein truncation or nonsense-mediated mRNA decay. As such, this alteration is interpreted as a disease-causing mutation.

Women's Health and Genetics/Laboratory Corporation of America, LabCorp
Classification: Pathogenic for Hereditary breast ovarian cancer syndrome. Last evaluated: 2023-04-03. Review status: criteria provided, single submitter. Criteria: LabCorp Variant Classification Summary - May 2015. Collection method: clinical testing. Allele origin: germline. Not counted in ClinVar's aggregate classification.
Comment: Variant summary: BRCA2 c.7301delA (p.Lys2434SerfsX33) results in a premature termination codon, predicted to cause a truncation of the encoded protein or absence of the protein due to nonsense mediated decay, which are commonly known mechanisms for disease. Truncations downstream of this position have been classified as pathogenic by our laboratory. The variant was absent in 251232 control chromosomes (gnomAD). c.7301delA has been reported in the literature in multiple individuals affected with Hereditary Breast And Ovarian Cancer (example Rebbeck_2018). These data indicate that the variant is very likely to be associated with disease. To our knowledge, no experimental evidence demonstrating an impact on protein function has been reported. Six clinical submitters (including an expert panel ENIGMA) have provided clinical-significance assessments for this variant to ClinVar after 2014 and all classified the variant as pathogenic. Based on the evidence outlined above, the variant was classified as pathogenic.

Labcorp Genetics (formerly Invitae), Labcorp
Classification: Pathogenic for Hereditary breast ovarian cancer syndrome. Last evaluated: 2022-10-31. Review status: criteria provided, single submitter. Criteria: Invitae Variant Classification Sherloc (09022015). Collection method: clinical testing. Allele origin: germline. Not counted in ClinVar's aggregate classification.
Comment: This sequence change creates a premature translational stop signal (p.Lys2434Serfs*35) in the BRCA2 gene. It is expected to result in an absent or disrupted protein product. Loss-of-function variants in BRCA2 are known to be pathogenic (PMID: 20104584). This variant is not present in population databases (gnomAD no frequency). For these reasons, this variant has been classified as Pathogenic. ClinVar contains an entry for this variant (Variation ID: 185769). This variant has not been reported in the literature in individuals affected with BRCA2-related conditions.

MGZ Medical Genetics Center
Classification: Pathogenic for Familial cancer of breast. Last evaluated: 2022-04-13. Review status: criteria provided, single submitter. Criteria: ACMG Guidelines, 2015. Collection method: clinical testing. Allele origin: germline. Affected: yes. Observed: 4 variant alleles. Not counted in ClinVar's aggregate classification.
Comment: ACMG criteria applied: PVS1, PS4_MOD, PM2_SUP

Color Diagnostics, LLC DBA Color Health
Classification: Pathogenic for Hereditary cancer-predisposing syndrome. Last evaluated: 2022-02-01. Review status: criteria provided, single submitter. Criteria: ACMG Guidelines, 2015. Collection method: clinical testing. Allele origin: germline. Not counted in ClinVar's aggregate classification.
Comment: This variant deletes 1 nucleotide in exon 14 of the BRCA2 gene, creating a frameshift and premature translation stop signal. In a large breast cancer case-control study, this variant was observed in 1/60466 cases and 0/53461 controls (Leiden Open Variation Database DB-ID BRCA2_003623; PMID: 33471991) This variant has not been identified in the general population by the Genome Aggregation Database (gnomAD). Loss of BRCA2 function is a known mechanism of disease. Based on the available evidence, this variant is classified as Pathogenic.

Quest Diagnostics Nichols Institute San Juan Capistrano
Classification: Pathogenic for Breast-ovarian cancer, familial, susceptibility to, 2. Last evaluated: 2016-06-17. Review status: criteria provided, single submitter. Criteria: Quest Diagnostics criteria. Collection method: clinical testing. Allele origin: germline. Inheritance: Autosomal dominant inheritance. Not counted in ClinVar's aggregate classification.

Consortium of Investigators of Modifiers of BRCA1/2 (CIMBA), c/o University of Cambridge
Classification: Pathogenic for Breast-ovarian cancer, familial, susceptibility to, 2. Last evaluated: 2015-10-02. Review status: criteria provided, single submitter. Criteria: CIMBA Mutation Classification guidelines May 2016. Collection method: clinical testing. Allele origin: germline. Not counted in ClinVar's aggregate classification.

Literature cited by the submitters: PubMed 29446198 (cited by Ambry Genetics and Women's Health and Genetics/Laboratory Corporation of America, LabCorp); PubMed 33471991 (cited by Ambry Genetics); PubMed 20104584 (cited by Labcorp Genetics (formerly Invitae), Labcorp); PubMed 26295337 (cited by Quest Diagnostics Nichols Institute San Juan Capistrano).

NM_000059.4(BRCA2):c.7301del (p.Lys2434fs)

Gene: BRCA2 (BRCA2 DNA repair associated; plus strand). Cytogenetic location: 13q13.1.
Variant type: Deletion.
Coding change: c.7301del on transcript NM_000059.4 (MANE Select); coding-DNA position 7301, one base deleted (A; older notation c.7301delA).
Protein change: p.Lys2434fs; shifts the reading frame from lysine 2434.
Molecular consequence: frameshift variant.
Genome position (GRCh38, 1-based): chr13:32,355,154, A deleted; the last of 4 consecutive A bases (chr13:32,355,151-32,355,154); deleting any one gives the same sequence. VCF-style (leftmost placement, unchanged base first): chr13-32355150-CA-C. GRCh37 (hg19) VCF-style: chr13-32929287-CA-C.
Other names: c.7301delA (NM_000059.3).
Identifiers: ClinVar variation 185769 (VCV000185769.21), dbSNP rs786202441, ClinGen allele CA025019.